The following is an entry in ClinVar:

NM_000238.4(KCNH2):c.2304_2305dup (p.Leu769fs)

Gene: KCNH2 (potassium voltage-gated channel subfamily H member 2; minus strand). Cytogenetic location: 7q36.1.
Variant type: Microsatellite.
Coding change: c.2304_2305dup on transcript NM_000238.4 (MANE Select); coding-DNA positions 2304 to 2305, 2 bases duplicated (AC; older notation c.2304_2305dupAC).
Protein change: p.Leu769fs; shifts the reading frame from leucine 769.
Molecular consequence: frameshift variant.
Genome position (GRCh38, 1-based): chr7:150,950,261-150,950,262, GT duplicated on the plus strand (AC on the coding strand, the reverse complement: KCNH2 is on the minus strand); duplicating any 2 consecutive bases within chr7:150,950,261-150,950,266 gives the same sequence; the c. name uses the placement nearest the transcript's 3' end. VCF-style (leftmost placement, unchanged base first): chr7-150950260-A-AGT. GRCh37 (hg19) VCF-style: chr7-150647348-A-AGT.
Other names: c.1284_1285dup, p.Leu429fs (NM_001204798.2, NM_172057.3); c.2012_2013AC[4], p.Leu673Hisfs (NM_001406753.1, NM_001406756.1); c.2123_2124AC[4], p.Leu710Hisfs (NM_001406755.1); c.2000_2001AC[4], p.Leu669Hisfs (NM_001406757.1); c.2300_2301AC[4], p.Leu769Hisfs (NM_172056.3); short protein forms L769fs, L429fs.
Identifiers: ClinVar variation 2078663 (VCV002078663.4), dbSNP rs2486025430, ClinGen allele CA2580614282.

ClinVar aggregate classification (germline): Pathogenic (1 of 4 stars; one submission).

Conditions:
Long QT syndrome (LQTS). Identifiers: MedGen C0023976, MeSH D008133, MONDO:0002442. Disease mechanism: loss of function. Inheritance: Various modes of inheritance.

Submission:

Labcorp Genetics (formerly Invitae), Labcorp
Classification: Pathogenic for Long QT syndrome. Last evaluated: 2022-01-11. Review status: criteria provided, single submitter. Criteria: Invitae Variant Classification Sherloc (09022015). Collection method: clinical testing. Allele origin: germline.
Comment: This variant has not been reported in the literature in individuals affected with KCNH2-related conditions. This variant is not present in population databases (gnomAD no frequency). This sequence change creates a premature translational stop signal (p.Leu769Hisfs*42) in the KCNH2 gene. It is expected to result in an absent or disrupted protein product. Loss-of-function variants in KCNH2 are known to be pathogenic (PMID: 10973849, 19862833). For these reasons, this variant has been classified as Pathogenic.

Literature cited by the submitters: PubMed 10973849; PubMed 19862833.